The following is an entry in ClinVar:

ClinVar aggregate classification (germline): Uncertain significance (1 of 4 stars; one submission).

gnomAD v4.1: 1 of 1,613,930 alleles (0.000062%); no homozygotes.

Submission:

CeGaT Center for Human Genetics Tuebingen
Classification: Uncertain significance. Last evaluated: 2023-09-01. Review status: criteria provided, single submitter. Criteria: CeGaT Center For Human Genetics Tuebingen Variant Classification Criteria Version 2. Collection method: clinical testing. Allele origin: germline. Affected: yes. Observed: 1 variant allele.
Comment: PTCD3: PM2, BP4

NM_017952.6(PTCD3):c.446T>G (p.Ile149Ser)

Gene: PTCD3 (pentatricopeptide repeat domain 3; plus strand). Cytogenetic location: 2p11.2.
Variant type: single nucleotide variant.
Coding change: c.446T>G on transcript NM_017952.6 (MANE Select); coding-DNA position 446, T replaced by G.
Protein change: p.Ile149Ser; replaces isoleucine 149 with serine.
Molecular consequence: missense variant.
Genome position (GRCh38, 1-based): chr2:86,118,952, T>G. VCF-style: chr2-86118952-T-G. GRCh37 (hg19) VCF-style: chr2-86346075-T-G.
Other names: short protein forms I149S.
Identifiers: ClinVar variation 2582980 (VCV002582980.25), dbSNP rs1558795657, ClinGen allele CA347540217.